The following is an entry in ClinVar:

NM_000455.5(STK11):c.579C>A (p.Ser193=)

Gene: STK11 (serine/threonine kinase 11; plus strand). Cytogenetic location: 19p13.3.
Variant type: single nucleotide variant.
Coding change: c.579C>A on transcript NM_000455.5 (MANE Select); coding-DNA position 579, C replaced by A.
Protein change: p.Ser193=; no amino-acid change (serine 193 retained).
Molecular consequence: synonymous variant.
Genome position (GRCh38, 1-based): chr19:1,220,487, C>A. VCF-style: chr19-1220487-C-A. GRCh37 (hg19) VCF-style: chr19-1220486-C-A.
Identifiers: ClinVar variation 381849 (VCV000381849.14), dbSNP rs730881961, ClinGen allele CA048125.

ClinVar aggregate classification (germline): Conflicting classifications of pathogenicity. Review status: criteria provided, conflicting classifications (1 of 4 stars). 7 submissions from 7 submitters: Uncertain significance (1); Benign (1); Likely benign (5). Last evaluated 2025-03-26.

Conditions:
Hereditary cancer-predisposing syndrome. Also called: Hereditary neoplastic syndrome; Tumor predisposition; Neoplastic Syndromes, Hereditary; Hereditary Cancer Syndrome. Identifiers: Orphanet 140162, MedGen C0027672, MeSH D009386, MONDO:0015356.
Peutz-Jeghers syndrome (PJS). Also called: Peutz-Jeghers polyposis; Periorificial lentiginosis syndrome; POLYPOSIS, HAMARTOMATOUS INTESTINAL; POLYPS-AND-SPOTS SYNDROME. Identifiers: Orphanet 2869, MedGen C0031269, MeSH D010580, MONDO:0008280, OMIM 175200.

Submissions (7):

Myriad Genetics, Inc.
Classification: Benign for Peutz-Jeghers syndrome. Last evaluated: 2025-03-26. Review status: criteria provided, single submitter. Criteria: Myriad Autosomal Dominant, Autosomal Recessive and X-Linked Classification Criteria (2023). Collection method: clinical testing. Allele origin: unknown.
Comment: This variant is considered benign. This variant is a silent/synonymous amino acid change and it is not expected to impact splicing.

Labcorp Genetics (formerly Invitae), Labcorp
Classification: Likely benign for Peutz-Jeghers syndrome. Last evaluated: 2024-12-18. Review status: criteria provided, single submitter. Criteria: Invitae Variant Classification Sherloc (09022015). Collection method: clinical testing. Allele origin: germline.

KCCC/NGS Laboratory, Kuwait Cancer Control Center
Classification: Likely benign for Peutz-Jeghers syndrome. Last evaluated: 2023-07-07. Review status: criteria provided, single submitter. Criteria: ACMG Guidelines, 2015. Collection method: clinical testing. Allele origin: germline. Affected: yes.

Genome-Nilou Lab
Classification: Uncertain significance for Peutz-Jeghers syndrome. Last evaluated: 2021-07-15. Review status: criteria provided, single submitter. Criteria: ACMG Guidelines, 2015. Collection method: clinical testing. Allele origin: germline. Affected: no.

Ambry Genetics
Classification: Likely benign for Hereditary cancer-predisposing syndrome. Last evaluated: 2019-07-30. Review status: criteria provided, single submitter. Criteria: Ambry Variant Classification Scheme 2023. Collection method: clinical testing. Allele origin: germline.

Color Diagnostics, LLC DBA Color Health
Classification: Likely benign for Hereditary cancer-predisposing syndrome. Last evaluated: 2017-03-06. Review status: criteria provided, single submitter. Criteria: ACMG Guidelines, 2015. Collection method: clinical testing. Allele origin: germline.

GeneDx
Classification: Likely benign. Last evaluated: 2015-11-24. Review status: criteria provided, single submitter. Criteria: GeneDx Variant Classification (06012015). Collection method: clinical testing. Allele origin: germline. Affected: yes.
Comment: This variant is considered likely benign or benign based on one or more of the following criteria: it is a conservative change, it occurs at a poorly conserved position in the protein, it is predicted to be benign by multiple in silico algorithms, and/or has population frequency not consistent with disease.